The following is an entry in ClinVar:

ClinVar aggregate classification (germline): Likely pathogenic (1 of 4 stars; one submission).

Conditions:
Familial dysautonomia. Also called: HSAN III; FD. Identifiers: Orphanet 1764, MedGen C0013364, MONDO:0009131, OMIM 223900. Disease mechanism: loss of function.

Submission:

Natera, Inc.
Classification: Likely pathogenic for Familial dysautonomia. Last evaluated: 2024-09-19. Review status: criteria provided, single submitter. Criteria: Natera Variant Classification Schema (03/2026). Collection method: clinical testing. Allele origin: germline.
Comment: The c.2946dupA variant in ELP1 is a frameshift variant predicted to shift the reading frame beginning at codon 983 and leads to a stop codon 21 codons downstream. This variant is expected to result in nonsense mediated decay, truncation, or a dysfunctional protein product. This variant is rare in the general population with a frequency below the threshold expected for the associated phenotype(s). Given the available evidence, this variant is classified as Likely Pathogenic.

NM_003640.5(ELP1):c.2946dup (p.Gln983fs)

Gene: ELP1 (elongator acetyltransferase complex subunit 1; minus strand). Cytogenetic location: 9q31.3.
Variant type: Duplication.
Coding change: c.2946dup on transcript NM_003640.5 (MANE Select); coding-DNA position 2946, one base duplicated (A; older notation c.2946dupA).
Protein change: p.Gln983fs; shifts the reading frame from glutamine 983.
Molecular consequence: frameshift variant.
Genome position (GRCh38, 1-based): chr9:108,892,998, T duplicated on the plus strand (A on the coding strand, the reverse complement: ELP1 is on the minus strand). VCF-style (leftmost placement, unchanged base first): chr9-108892997-G-GT. GRCh37 (hg19) VCF-style: chr9-111655277-G-GT.
Other names: c.2604dup, p.Gln869fs (NM_001318360.2); c.1899dup, p.Gln634fs (NM_001330749.2); short protein forms Q634fs, Q869fs, Q983fs.
Identifiers: ClinVar variation 4815211 (VCV004815211.1).